The following is an entry in ClinVar:

NM_002834.5(PTPN11):c.1010C>T (p.Thr337Met)

Gene: PTPN11 (protein tyrosine phosphatase non-receptor type 11; plus strand). Cytogenetic location: 12q24.13.
Variant type: single nucleotide variant.
Coding change: c.1010C>T on transcript NM_002834.5 (MANE Select); coding-DNA position 1010, C replaced by T.
Protein change: p.Thr337Met; replaces threonine 337 with methionine.
Molecular consequence: missense variant.
Genome position (GRCh38, 1-based): chr12:112,477,933, C>T. VCF-style: chr12-112477933-C-T. GRCh37 (hg19) VCF-style: chr12-112915737-C-T.
Other names: c.1010C>T, p.Thr337Met (NM_001330437.2, NM_080601.3); c.1007C>T, p.Thr336Met (NM_001374625.1); short protein forms T336M, T337M.
Identifiers: ClinVar variation 4689825 (VCV004689825.1).
Genomic context (GRCh38, chr12:112,477,933, plus strand): 5'-AGTGCAACAATTCAAAGCCCAAAAAGAGTTACATTGCCACACAAGGCTGCCTGCAAAACA[C>T]GGTGAATGACTTTTGGCGGATGGTGTTCCAAGAAAACTCCCGAGTGATTGTCATGACAAC-3'
Protein context (NP_002825.3, residues 327-347): YIATQGCLQN[Thr337Met]VNDFWRMVFQ

ClinVar aggregate classification (germline): Uncertain significance (1 of 4 stars; one submission).

Submission:

GeneDx
Classification: Uncertain significance. Last evaluated: 2025-07-31. Review status: criteria provided, single submitter. Criteria: GeneDx Variant Classification Process June 2021. Collection method: clinical testing. Allele origin: germline. Affected: yes.
Comment: Not observed at significant frequency in large population cohorts (gnomAD); Missense variants in this gene are a common cause of disease and they are underrepresented in the general population; In silico analysis supports that this missense variant has a deleterious effect on protein structure/function; Has not been previously published as pathogenic or benign to our knowledge; This variant is associated with the following publications: (PMID: 29493581)